The following is an entry in ClinVar:

NM_133497.4(KCNV2):c.427G>T (p.Glu143Ter)

Gene: KCNV2 (potassium voltage-gated channel modifier subfamily V member 2; plus strand). Cytogenetic location: 9p24.2.
Variant type: single nucleotide variant.
Coding change: c.427G>T on transcript NM_133497.4 (MANE Select); coding-DNA position 427, G replaced by T.
Protein change: p.Glu143Ter; replaces glutamic acid 143 with a stop codon.
Molecular consequence: nonsense.
Genome position (GRCh38, 1-based): chr9:2,718,166, G>T. VCF-style: chr9-2718166-G-T. GRCh37 (hg19) VCF-style: chr9-2718166-G-T.
Other names: short protein forms E143*.
Identifiers: ClinVar variation 3010 (VCV000003010.20), dbSNP rs104894113, ClinGen allele CA115916.

ClinVar aggregate classification (germline): Pathogenic/Likely pathogenic. Review status: criteria provided, multiple submitters, no conflicts (2 of 4 stars). 11 submissions from 11 submitters: Pathogenic (7); Likely pathogenic (1). 3 of the submissions do not count toward it. Last evaluated 2026-08-04.

Conditions:
KCNV2-related disorder. Also called: KCNV2-related condition.
Cone dystrophy with supernormal rod response (CDSRR). Also called: CONE DYSTROPHY WITH SUPERNORMAL ROD RESPONSES. Identifiers: Orphanet 209932, MedGen C1835897, MONDO:0012475, OMIM 610356.
Retinal disorder. Also called: Retinal disorders; Retinopathies; Retinal Diseases; Retinopathy. Identifiers: MedGen C0035309, MONDO:0005283, HP:0000488.

Allele frequency attached by ClinVar (database versions not stated): TOPMed below 0.00001.
gnomAD v4.1: 9 of 1,612,968 alleles (0.00056%); highest among the groups gnomAD compares: Middle Eastern, 0.017%; no homozygotes.

Submissions (11):

Genetics Laboratory, Great Ormond Street Hospital NHS Foundation Trust, North Thames Genomic Laboratory Hub
Classification: Pathogenic for Retinal disorders. Last evaluated: 2026-08-04. Review status: criteria provided, single submitter. Criteria: ACGS Best Practice Guidelines for Variant Classification in Rare Disease 2024 v1.2. Collection method: clinical testing. Allele origin: germline. Affected: yes.
Comment: PM2_moderate, PVS1_very-strong

Centre for Inherited Metabolic Diseases, Karolinska University Hospital
Classification: Pathogenic for Cone dystrophy with supernormal rod response. Last evaluated: 2025-08-11. Review status: criteria provided, single submitter. Criteria: ACMG Guidelines, 2015. Collection method: clinical testing. Allele origin: inherited. Inheritance: Autosomal recessive inheritance. Affected: yes. Observed: 1 homozygote.
Comment: Used criteria: PVS1, PS1

Dubai Health Genomic Medicine Center, Dubai Health
Classification: Pathogenic for Retinal cone dystrophy 3B. Last evaluated: 2024-10-04. Review status: criteria provided, single submitter. Criteria: ACMG Guidelines, 2015. Collection method: research. Allele origin: germline. Affected: yes.
Comment: PVS1,PM2,PM3(strong)

GeneDx
Classification: Pathogenic. Last evaluated: 2024-08-20. Review status: criteria provided, single submitter. Criteria: GeneDx Variant Classification Process June 2021. Collection method: clinical testing. Allele origin: germline.
Comment: Identified in individuals with cone dystrophy with supernormal rod response in published literature (PMID: 16909397); Nonsense variant predicted to result in protein truncation or nonsense mediated decay in a gene for which loss of function is a known mechanism of disease; Not observed at significant frequency in large population cohorts (gnomAD); This variant is associated with the following publications: (PMID: 31725702, 31960170, 21900228, 23105016, 32552793, 32783370, 37644014, 37510321, 36278409, 37852740, 37127645, 16909397, 38219857)

Labcorp Genetics (formerly Invitae), Labcorp
Classification: Pathogenic. Last evaluated: 2024-07-17. Review status: criteria provided, single submitter. Criteria: Invitae Variant Classification Sherloc (09022015). Collection method: clinical testing. Allele origin: germline.
Comment: This sequence change creates a premature translational stop signal (p.Glu143*) in the KCNV2 gene. It is expected to result in an absent or disrupted protein product. Loss-of-function variants in KCNV2 are known to be pathogenic (PMID: 16909397, 18235024). This variant is not present in population databases (gnomAD no frequency). This premature translational stop signal has been observed in individual(s) with clinical features of KCNV2-related conditions (PMID: 16909397, 31960170). ClinVar contains an entry for this variant (Variation ID: 3010). For these reasons, this variant has been classified as Pathogenic.

Genomic Medicine Center of Excellence, King Faisal Specialist Hospital and Research Centre
Classification: Likely pathogenic for Cone dystrophy with supernormal rod response. Last evaluated: 2024-03-23. Review status: criteria provided, single submitter. Criteria: ACMG Guidelines, 2015. Collection method: clinical testing. Allele origin: germline.

Blueprint Genetics
Classification: Pathogenic for KCNV2-related disorders. Last evaluated: 2024-02-20. Review status: criteria provided, single submitter. Criteria: ACMG Guidelines, 2015. Collection method: clinical testing. Allele origin: germline. Affected: yes. Observed: 5 variant alleles.

Revvity Omics, Revvity
Classification: Pathogenic for Cone dystrophy with supernormal rod response. Last evaluated: 2021-08-23. Review status: criteria provided, single submitter. Criteria: ACMG Guidelines, 2015. Collection method: clinical testing. Allele origin: germline.

PreventionGenetics, part of Exact Sciences
Classification: Pathogenic for KCNV2-related condition. Last evaluated: 2024-04-08. Review status: no assertion criteria provided. Collection method: clinical testing. Allele origin: germline. Not counted in ClinVar's aggregate classification.
Comment: The KCNV2 c.427G>T variant is predicted to result in premature protein termination (p.Glu143*). This variant has been characterized as a founder mutation in Arabian populations and has been reported in the homozygous state in multiple individuals with retinal cone dystrophy 3B (a.k.a., cone dystrophy with supernormal rod response; CDSRR) (Wu et al. 2006. PubMed ID: 16909397; Khan et al. 2012. PubMed ID: 21900228; Abu-Safieh et al. 2013. PubMed ID: 23105016; Khan 2019. PubMed ID: 31725702; Abdelkader et al. 2020. PubMed ID: 31960170; Méjécase et al. 2020. PubMed ID: 32783370). This variant has also been reported in the presumed compound heterozygous state in an individual with a second disease-causing KCNV2 variant and has been observed to co-segregate with disease in a large family (Wu et al. 2006. PubMed ID: 16909397). This variant has not been reported in the gnomAD database, indicating this variant is rare. Nonsense variants in KCNV2 are expected to be pathogenic. This variant is interpreted as pathogenic.

Biochemical Molecular Genetic Laboratory, King Abdulaziz Medical City
Classification: Likely pathogenic for Cone dystrophy with supernormal rod response. Last evaluated: 2020-06-07. Review status: no assertion criteria provided. Collection method: clinical testing. Allele origin: germline. Affected: yes. Not counted in ClinVar's aggregate classification.

OMIM
Classification: drug response for CONE DYSTROPHY WITH SUPERNORMAL ROD RESPONSES. Last evaluated: 2006-09-01. Review status: no assertion criteria provided. Collection method: literature only. Allele origin: germline. Not counted in ClinVar's aggregate classification.

Literature cited by the submitters: PubMed 16909397 (cited by Labcorp Genetics (formerly Invitae), Labcorp and OMIM); PubMed 18235024 (cited by Labcorp Genetics (formerly Invitae), Labcorp); PubMed 31960170 (cited by Labcorp Genetics (formerly Invitae), Labcorp).